The following is an entry in ClinVar:

ClinVar aggregate classification (germline): Benign. Review status: criteria provided, multiple submitters, no conflicts (2 of 4 stars). 3 submissions from 3 submitters: Benign (3). Last evaluated 2018-06-14.

Conditions:
Osteogenesis imperfecta type 7 (OI7). Also called: OI type 7; OI type VII; OSTEOGENESIS IMPERFECTA, TYPE IIB; Osteogenesis imperfecta type 2B; OI type 2B; Osteogenesis imperfecta, perinatal lethal autosomal recessive. Identifiers: MedGen C1853162, MONDO:0012536, OMIM 610682.

Allele frequency attached by ClinVar (database versions not stated): 1000 Genomes Project 0.01058; 1000 Genomes Project 30x 0.01124; TOPMed 0.02820; gnomAD 0.03101 and 0.03228; gnomAD exomes 0.03798.
gnomAD v4.1: 14,847 of 417,610 alleles (3.6%); highest among the groups gnomAD compares: Non-Finnish European, 5%; 381 homozygotes.

Submissions (3):

GeneDx
Classification: Benign. Last evaluated: 2018-06-14. Review status: criteria provided, single submitter. Criteria: GeneDx Variant Classification Process June 2021. Collection method: clinical testing. Allele origin: germline. Affected: yes.

Illumina Laboratory Services, Illumina
Classification: Benign for Osteogenesis imperfecta type 7. Last evaluated: 2018-01-13. Review status: criteria provided, single submitter. Criteria: ICSL Variant Classification Criteria 13 December 2019. Collection method: clinical testing. Allele origin: germline.
Comment: This variant was observed in the ICSL laboratory as part of a predisposition screen in an ostensibly healthy population. It had not been previously curated by ICSL or reported in the Human Gene Mutation Database (HGMD: prior to June 1st, 2018), and was therefore a candidate for classification through an automated scoring system. Utilizing variant allele frequency, disease prevalence and penetrance estimates, and inheritance mode, an automated score was calculated to assess if this variant is too frequent to cause the disease. Based on the score and internal cut-off values, a variant classified as benign is not then subjected to further curation. The score for this variant resulted in a classification of benign for this disease.

Breakthrough Genomics
Classification: Benign. Review status: criteria provided, single submitter. Criteria: ACMG Guidelines, 2015. Collection method: not provided. Allele origin: germline. Inheritance: Autosomal recessive inheritance. Affected: yes.

NM_006371.5(CRTAP):c.*269C>T

Gene: CRTAP (cartilage associated protein; plus strand). Cytogenetic location: 3p22.3.
Variant type: single nucleotide variant.
Coding change: c.*269C>T on transcript NM_006371.5 (MANE Select); 269 bases downstream of the stop codon, C replaced by T.
Molecular consequence: 3 prime UTR variant.
Genome position (GRCh38, 1-based): chr3:33,142,717, C>T. VCF-style: chr3-33142717-C-T. GRCh37 (hg19) VCF-style: chr3-33184209-C-T.
Other names: c.*269C>T (NM_001393363.1, NM_001393364.1, NM_001393365.1).
Identifiers: ClinVar variation 344818 (VCV000344818.8), dbSNP rs143237314, ClinGen allele CA10618120.
Genomic context (GRCh38, chr3:33,142,717, plus strand): 5'-TTCTCACCTTTTTTTTGAGATGGAGTCTCGCTCTCTTGCCCAGGCTGGAGTGCAATGGCA[C>T]GTTCTCAGCTCACTGCAACCTCCGCCTCTTGGGTTCAAGCAATTCTGCTGCATCAGCCTC-3'